The following is an entry in ClinVar:

ClinVar aggregate classification (germline): Likely benign. Review status: criteria provided, multiple submitters, no conflicts (2 of 4 stars). 4 submissions from 4 submitters: Likely benign (4). Last evaluated 2026-06-15.

Conditions:
TTN-related disorder. Also called: TTN-related condition; TTN-related disease; TTN-related disorders.
Cardiovascular phenotype. Identifiers: MedGen CN230736.
Autosomal recessive limb-girdle muscular dystrophy type 2J (LGMDR10). Also called: Limb-girdle muscular dystrophy, type 2J; MUSCULAR DYSTROPHY, LIMB-GIRDLE, AUTOSOMAL RECESSIVE 10. Identifiers: Orphanet 140922, MedGen C1837342, MONDO:0012127, OMIM 608807.
Dilated cardiomyopathy 1G (CMD1G). Identifiers: Orphanet 154, MedGen C1858763, MONDO:0011400, OMIM 604145.

Allele frequency attached by ClinVar (database versions not stated): TOPMed 0.00001; gnomAD exomes 0.00006 and 0.00010; ExAC 0.00011; 1000 Genomes Project 30x 0.00031; 1000 Genomes Project 0.00040.
gnomAD v4.1: 98 of 1,613,934 alleles (0.0061%); highest among the groups gnomAD compares: East Asian, 0.21%; no homozygotes.

Submissions (4):

PreventionGenetics, part of Exact Sciences
Classification: Likely benign for TTN-related condition. Last evaluated: 2026-06-15. Review status: criteria provided, single submitter. Criteria: ACMG Guidelines, 2015. Collection method: clinical testing. Allele origin: germline.
Comment: This variant is classified as likely benign based on ACMG/AMP sequence variant interpretation guidelines (Richards et al. 2015 PMID: 25741868, with internal and published modifications).

Labcorp Genetics (formerly Invitae), Labcorp
Classification: Likely benign for Dilated cardiomyopathy 1G; Autosomal recessive limb-girdle muscular dystrophy type 2J. Last evaluated: 2026-02-01. Review status: criteria provided, single submitter. Criteria: Invitae Variant Classification Sherloc (09022015). Collection method: clinical testing. Allele origin: germline.

Ambry Genetics
Classification: Likely benign for Cardiovascular phenotype. Last evaluated: 2023-10-23. Review status: criteria provided, single submitter. Criteria: Ambry Variant Classification Scheme 2023. Collection method: clinical testing. Allele origin: germline.

Women's Health and Genetics/Laboratory Corporation of America, LabCorp
Classification: Likely benign. Last evaluated: 2023-05-15. Review status: criteria provided, single submitter. Criteria: LabCorp Variant Classification Summary - May 2015. Collection method: clinical testing. Allele origin: germline.

NM_001267550.2(TTN):c.92595A>G (p.Leu30865=)

Genes: TTN (titin; minus strand), TTN-AS1 (TTN antisense RNA 1; plus strand). Cytogenetic location: 2q31.2.
Variant type: single nucleotide variant.
Coding change: c.92595A>G on transcript NM_001267550.2 (MANE Select); coding-DNA position 92595, A replaced by G.
Protein change: p.Leu30865=; no amino-acid change (leucine 30865 retained).
Molecular consequence: synonymous variant.
Genome position (GRCh38, 1-based): chr2:178,549,031, T>C on the plus strand (A>G on the coding strand, the complement: TTN is on the minus strand). VCF-style: chr2-178549031-T-C. GRCh37 (hg19) VCF-style: chr2-179413758-T-C.
Other names: c.87672A>G, p.Leu29224= (NM_001256850.1); c.65400A>G, p.Leu21800= (NM_003319.4); c.84891A>G, p.Leu28297= (NM_133378.4); c.65775A>G, p.Leu21925= (NM_133432.3); c.65976A>G, p.Leu21992= (NM_133437.4).
Identifiers: ClinVar variation 699255 (VCV000699255.10), dbSNP rs192086736, ClinGen allele CA1987426.
Genomic context (GRCh38, chr2:178,549,031, plus strand): 5'-ATCAGTGACTGTATATCTTGTTTTCACACATGCCTCTGCATTCACCTTGTGCCAGTCTCC[T>C]AAGTCGGCCTTACACATTTCAATAATATACCCAATTATTTCCATGCCACCATCAAACACT-3'
Protein context (NP_001254479.2, residues 30855-30875): GYIIEMCKAD[Leu30865=]GDWHKVNAEA